The following is an entry in ClinVar:

ClinVar aggregate classification (germline): Uncertain significance. Review status: criteria provided, multiple submitters, no conflicts (2 of 4 stars). 4 submissions from 4 submitters: Uncertain significance (4). Last evaluated 2025-09-25.

Conditions:
Inborn genetic diseases. Identifiers: MedGen C0950123, MeSH D030342.

Allele frequency attached by ClinVar (database versions not stated): gnomAD 0.00001 and 0.00002; gnomAD exomes 0.00002 and 0.00004; TOPMed 0.00002; ExAC 0.00008.
gnomAD v4.1: 27 of 1,612,670 alleles (0.0017%); highest among the groups gnomAD compares: Admixed American, 0.012%; no homozygotes.

Submissions (4):

Labcorp Genetics (formerly Invitae), Labcorp
Classification: Uncertain significance. Last evaluated: 2025-09-25. Review status: criteria provided, single submitter. Criteria: Invitae Variant Classification Sherloc (09022015). Collection method: clinical testing. Allele origin: germline.
Comment: This sequence change replaces arginine, which is basic and polar, with cysteine, which is neutral and slightly polar, at codon 1971 of the DCHS1 protein (p.Arg1971Cys). This variant is present in population databases (rs755601379, gnomAD 0.03%). This variant has not been reported in the literature in individuals affected with DCHS1-related conditions. ClinVar contains an entry for this variant (Variation ID: 1313531). Invitae Evidence Modeling of protein sequence and biophysical properties (such as structural, functional, and spatial information, amino acid conservation, physicochemical variation, residue mobility, and thermodynamic stability) indicates that this missense variant is not expected to disrupt DCHS1 protein function with a negative predictive value of 80%. In summary, the available evidence is currently insufficient to determine the role of this variant in disease. Therefore, it has been classified as a Variant of Uncertain Significance.

Ambry Genetics
Classification: Uncertain significance for Inborn genetic diseases. Last evaluated: 2025-04-10. Review status: criteria provided, single submitter. Criteria: Ambry Variant Classification Scheme 2023. Collection method: clinical testing. Allele origin: germline.

CeGaT Center for Human Genetics Tuebingen
Classification: Uncertain significance. Last evaluated: 2022-10-01. Review status: criteria provided, single submitter. Criteria: CeGaT Center For Human Genetics Tuebingen Variant Classification Criteria Version 2. Collection method: clinical testing. Allele origin: germline. Affected: yes. Observed: 1 variant allele.
Comment: DCHS1: PM2:Supporting, BP4

GeneDx
Classification: Uncertain significance. Last evaluated: 2020-10-22. Review status: criteria provided, single submitter. Criteria: GeneDx Variant Classification Process June 2021. Collection method: clinical testing. Allele origin: germline. Affected: yes.
Comment: In silico analysis supports that this missense variant does not alter protein structure/function; Has not been previously published as pathogenic or benign to our knowledge

NM_003737.4(DCHS1):c.5911C>T (p.Arg1971Cys)

Gene: DCHS1 (dachsous cadherin-related 1; minus strand). Cytogenetic location: 11p15.4.
Variant type: single nucleotide variant.
Coding change: c.5911C>T on transcript NM_003737.4 (MANE Select); coding-DNA position 5911, C replaced by T.
Protein change: p.Arg1971Cys; replaces arginine 1971 with cysteine.
Molecular consequence: missense variant.
Genome position (GRCh38, 1-based): chr11:6,627,128, G>A on the plus strand (C>T on the coding strand, the complement: DCHS1 is on the minus strand). VCF-style: chr11-6627128-G-A. GRCh37 (hg19) VCF-style: chr11-6648359-G-A.
Other names: c.5911C>T (NM_003737.2); short protein forms R1971C.
Identifiers: ClinVar variation 1313531 (VCV001313531.27), dbSNP rs755601379, ClinGen allele CA5859996.